The following is an entry in ClinVar:

NM_005666.4(CFHR2):c.35G>A (p.Arg12Gln)

Gene: CFHR2 (complement factor H related 2; plus strand). Cytogenetic location: 1q31.3.
Variant type: single nucleotide variant.
Coding change: c.35G>A on transcript NM_005666.4 (MANE Select); coding-DNA position 35, G replaced by A.
Protein change: p.Arg12Gln; replaces arginine 12 with glutamine.
Molecular consequence: missense variant.
Genome position (GRCh38, 1-based): chr1:196,943,915, G>A. VCF-style: chr1-196943915-G-A. GRCh37 (hg19) VCF-style: chr1-196913045-G-A.
Other names: p.Arg12Gln; c.35G>A, p.Arg12Gln (NM_001312672.1, NM_001410924.1); short protein forms R12Q.
Identifiers: ClinVar variation 3380416 (VCV003380416.1).
Genomic context (GRCh38, chr1:196,943,915, plus strand): 5'-GTTATATAAGATTGGAACTACCAAGCATGTGGCTCCTGGTCAGTGTAATTCTAATCTCAC[G>A]GATATCCTCTGTTGGGGGAGAAGGTAAGTTCAAAACAGACCTGAATATTTAGTTCCTTTT-3'
Protein context (NP_005657.1, residues 2-22): WLLVSVILIS[Arg12Gln]ISSVGGEAMF

ClinVar aggregate classification (germline): Uncertain significance (1 of 4 stars; one submission).

Submission:

Mayo Clinic Laboratories, Mayo Clinic
Classification: Uncertain significance. Last evaluated: 2023-08-09. Review status: criteria provided, single submitter. Criteria: ACMG Guidelines, 2015. Collection method: clinical testing. Allele origin: germline. Observed: 2 variant alleles.
Comment: BP4